The following is an entry in ClinVar:

NM_014249.4(NR2E3):c.1217A>G (p.Asp406Gly)

Gene: NR2E3 (nuclear receptor subfamily 2 group E member 3; plus strand). Cytogenetic location: 15q23.
Variant type: single nucleotide variant.
Coding change: c.1217A>G on transcript NM_014249.4 (MANE Select); coding-DNA position 1217, A replaced by G.
Protein change: p.Asp406Gly; replaces aspartic acid 406 with glycine.
Molecular consequence: missense variant.
Genome position (GRCh38, 1-based): chr15:71,817,668, A>G. VCF-style: chr15-71817668-A-G. GRCh37 (hg19) VCF-style: chr15-72110009-A-G.
Other names: short protein forms D406G.
Identifiers: ClinVar variation 1045258 (VCV001045258.8), dbSNP rs1433991680, ClinGen allele CA393041658.

ClinVar aggregate classification (germline): Pathogenic (1 of 4 stars; one submission).

Allele frequency attached by ClinVar (database versions not stated): gnomAD exomes below 0.00001.

Submission:

Labcorp Genetics (formerly Invitae), Labcorp
Classification: Pathogenic. Last evaluated: 2024-03-18. Review status: criteria provided, single submitter. Criteria: Invitae Variant Classification Sherloc (09022015). Collection method: clinical testing. Allele origin: germline.
Comment: This sequence change replaces aspartic acid, which is acidic and polar, with glycine, which is neutral and non-polar, at codon 406 of the NR2E3 protein (p.Asp406Gly). This variant is present in population databases (no rsID available, gnomAD 0.0009%). This missense change has been observed in individual(s) with clinical features of enhanced S-cone syndrome and/or Goldmann-Favre syndrome, a severe form of enhanced S-cone syndrome (PMID: 24891813; Invitae). In at least one individual the data is consistent with being in trans (on the opposite chromosome) from a pathogenic variant. It has also been observed to segregate with disease in related individuals. ClinVar contains an entry for this variant (Variation ID: 1045258). Advanced modeling of protein sequence and biophysical properties (such as structural, functional, and spatial information, amino acid conservation, physicochemical variation, residue mobility, and thermodynamic stability) performed at Invitae indicates that this missense variant is expected to disrupt NR2E3 protein function with a positive predictive value of 80%. Algorithms developed to predict the effect of sequence changes on RNA splicing suggest that this variant may create or strengthen a splice site. For these reasons, this variant has been classified as Pathogenic.

Literature cited by the submitters: PubMed 24891813.